The following is an entry in ClinVar:

NM_004237.4(TRIP13):c.534C>T (p.His178=)

Gene: TRIP13 (thyroid hormone receptor interactor 13; plus strand). Cytogenetic location: 5p15.33.
Variant type: single nucleotide variant.
Coding change: c.534C>T on transcript NM_004237.4 (MANE Select); coding-DNA position 534, C replaced by T.
Protein change: p.His178=; no amino-acid change (histidine 178 retained).
Molecular consequence: synonymous variant.
Genome position (GRCh38, 1-based): chr5:901,430, C>T. VCF-style: chr5-901430-C-T. GRCh37 (hg19) VCF-style: chr5-901545-C-T.
Other names: c.534C>T, p.His178= (NM_001166260.2).
Identifiers: ClinVar variation 3716709 (VCV003716709.2).

ClinVar aggregate classification (germline): Uncertain significance (1 of 4 stars; one submission).

gnomAD v4.1: 92 of 1,613,748 alleles (0.0057%); highest among the groups gnomAD compares: Non-Finnish European, 0.0075%; no homozygotes.

Submission:

Labcorp Genetics (formerly Invitae), Labcorp
Classification: Uncertain significance. Last evaluated: 2025-12-31. Review status: criteria provided, single submitter. Criteria: Invitae Variant Classification Sherloc (09022015). Collection method: clinical testing. Allele origin: germline.
Comment: This sequence change affects codon 178 of the TRIP13 mRNA. It is a 'silent' change, meaning that it does not change the encoded amino acid sequence of the TRIP13 protein. It affects a nucleotide within the consensus splice site. This variant is present in population databases (rs756211969, gnomAD 0.007%). This variant has not been reported in the literature in individuals affected with TRIP13-related conditions. ClinVar contains an entry for this variant (Variation ID: 3716709). Algorithms developed to predict the effect of sequence changes on RNA splicing suggest that this variant is not likely to affect RNA splicing. In summary, the available evidence is currently insufficient to determine the role of this variant in disease. Therefore, it has been classified as a Variant of Uncertain Significance.